The following is an entry in ClinVar:

NM_174889.5(NDUFAF2):c.462T>C (p.Phe154=)

Gene: NDUFAF2 (NADH:ubiquinone oxidoreductase complex assembly factor 2; plus strand). Cytogenetic location: 5q12.1.
Variant type: single nucleotide variant.
Coding change: c.462T>C on transcript NM_174889.5 (MANE Select); coding-DNA position 462, T replaced by C.
Protein change: p.Phe154=; no amino-acid change (phenylalanine 154 retained).
Molecular consequence: synonymous variant.
Genome position (GRCh38, 1-based): chr5:61,152,907, T>C. VCF-style: chr5-61152907-T-C. GRCh37 (hg19) VCF-style: chr5-60448734-T-C.
Other names: p.F154F:TTT>TTC.
Identifiers: ClinVar variation 138457 (VCV000138457.27), dbSNP rs77878573, ClinGen allele CA292451.

ClinVar aggregate classification (germline): Benign/Likely benign. Review status: criteria provided, multiple submitters, no conflicts (2 of 4 stars). 7 submissions from 6 submitters: Benign (4); Likely benign (2). 1 of the submissions does not count toward it. Last evaluated 2026-01-31.

Conditions:
Mitochondrial complex I deficiency, nuclear type 1. Also called: NADH-COENZYME Q REDUCTASE DEFICIENCY; MITOCHONDRIAL NADH DEHYDROGENASE COMPONENT OF COMPLEX I, DEFICIENCY OF. Identifiers: MedGen C6022305, MONDO:0100224, OMIM 252010.
Mitochondrial complex I deficiency, nuclear type 10. Also called: Mitochondrial complex 1 deficiency, nuclear type 10. Identifiers: MedGen C4748768, MONDO:0032616, OMIM 618233.
Leigh syndrome (NULS). Also called: Leigh Disease; Leigh Syndrome (mtDNA deletion); Subacute necrotizing encephalopathy; Necrotizing encephalopathy infantile subacute of Leigh; Leigh's necrotizing encephalopathy; Leigh's disease. Identifiers: Orphanet 506, MedGen C2931891, MONDO:0009723, OMIM 256000.

Allele frequency attached by ClinVar (database versions not stated): gnomAD exomes 0.00161 and 0.00444; ExAC 0.00625; gnomAD 0.01710 and 0.01828; 1000 Genomes Project 0.01777; ESP Exome Variant Server 0.01892; TOPMed 0.01943; 1000 Genomes Project 30x 0.01983.
gnomAD v4.1: 5,017 of 1,613,530 alleles (0.31%); highest among the groups gnomAD compares: African/African-American, 6.2%; 171 homozygotes.

Submissions (7):

Labcorp Genetics (formerly Invitae), Labcorp
Classification: Benign. Last evaluated: 2026-01-31. Review status: criteria provided, single submitter. Criteria: Invitae Variant Classification Sherloc (09022015). Collection method: clinical testing. Allele origin: germline.

ARUP Laboratories, Molecular Genetics and Genomics, ARUP Laboratories
Classification: Benign for Mitochondrial complex I deficiency, nuclear type 10. Last evaluated: 2023-11-06. Review status: criteria provided, single submitter. Criteria: ARUP Molecular Germline Variant Investigation Process 2024. Collection method: clinical testing. Allele origin: germline.

Illumina Laboratory Services, Illumina
Classification: Benign for Leigh syndrome. Last evaluated: 2018-01-13. Review status: criteria provided, single submitter. Criteria: ICSL Variant Classification Criteria 13 December 2019. Collection method: clinical testing. Allele origin: germline.
Comment: This variant was observed in the ICSL laboratory as part of a predisposition screen in an ostensibly healthy population. It had not been previously curated by ICSL or reported in the Human Gene Mutation Database (HGMD: prior to June 1st, 2018), and was therefore a candidate for classification through an automated scoring system. Utilizing variant allele frequency, disease prevalence and penetrance estimates, and inheritance mode, an automated score was calculated to assess if this variant is too frequent to cause the disease. Based on the score and internal cut-off values, a variant classified as benign is not then subjected to further curation. The score for this variant resulted in a classification of benign for this disease.

Illumina Laboratory Services, Illumina
Classification: Likely benign for Mitochondrial complex I deficiency, nuclear type 1. Last evaluated: 2018-01-13. Review status: criteria provided, single submitter. Criteria: ICSL Variant Classification Criteria 13 December 2019. Collection method: clinical testing. Allele origin: germline.
Comment: This variant was observed in the ICSL laboratory as part of a predisposition screen in an ostensibly healthy population. It had not been previously curated by ICSL or reported in the Human Gene Mutation Database (HGMD: prior to June 1st, 2018), and was therefore a candidate for classification through an automated scoring system. Utilizing variant allele frequency, disease prevalence and penetrance estimates, and inheritance mode, an automated score was calculated to assess if this variant is too frequent to cause the disease. Based on the score and internal cut-off values, a variant classified as likely benign is not then subjected to further curation. The score for this variant resulted in a classification of likely benign for this disease.

GeneDx
Classification: Benign. Last evaluated: 2012-04-03. Review status: criteria provided, single submitter. Criteria: GeneDx Variant Classification (06012015). Collection method: clinical testing. Allele origin: germline. Affected: yes.
Comment: This variant is considered likely benign or benign based on one or more of the following criteria: it is a conservative change, it occurs at a poorly conserved position in the protein, it is predicted to be benign by multiple in silico algorithms, and/or has population frequency not consistent with disease.

Breakthrough Genomics
Classification: Likely benign. Review status: criteria provided, single submitter. Criteria: ACMG Guidelines, 2015. Collection method: not provided. Allele origin: germline. Inheritance: Autosomal recessive inheritance. Affected: yes.

Mayo Clinic Laboratories, Mayo Clinic
Classification: Benign. Last evaluated: 2016-03-16. Review status: no assertion criteria provided. Collection method: clinical testing. Allele origin: unknown. Not counted in ClinVar's aggregate classification.